The following is an entry in ClinVar:

ClinVar aggregate classification (germline): Uncertain significance (0 of 4 stars; one submission).

Conditions:
Macrothrombocytopenia, isolated, 1, autosomal dominant (MACTHC1). Also called: Autosomal dominant macrothrombocytopenia TUBB1-related. Identifiers: Orphanet 140957, MedGen C5676892, MONDO:0800047, OMIM 613112.

Allele frequency attached by ClinVar (database versions not stated): gnomAD exomes below 0.00001 and 0.00001; TOPMed below 0.00001; ExAC 0.00001.
gnomAD v4.1: 20 of 1,614,098 alleles (0.0012%); highest among the groups gnomAD compares: Non-Finnish European, 0.0015%; no homozygotes.

Submission:

ISTH-SSC Genomics in Thrombosis and Hemostasis, KU Leuven, Center for Molecular and Vascular Biology
Classification: Uncertain significance for Macrothrombocytopenia, isolated, 1, autosomal dominant. Review status: no assertion criteria provided. Collection method: research. Allele origin: unknown. Affected: yes.
Comment: Submitted to GoldVariant by Neil Morgan from Birmingham Platelet Group, Birmingham, UK

NM_030773.4(TUBB1):c.421G>A (p.Gly141Arg)

Gene: TUBB1 (tubulin beta 1 class VI; plus strand). Cytogenetic location: 20q13.32.
Variant type: single nucleotide variant.
Coding change: c.421G>A on transcript NM_030773.4 (MANE Select); coding-DNA position 421, G replaced by A.
Protein change: p.Gly141Arg; replaces glycine 141 with arginine.
Molecular consequence: missense variant.
Genome position (GRCh38, 1-based): chr20:59,023,848, G>A. VCF-style: chr20-59023848-G-A. GRCh37 (hg19) VCF-style: chr20-57598903-G-A.
Other names: short protein forms G141R.
Identifiers: ClinVar variation 1684400 (VCV001684400.1), dbSNP rs778975827, ClinGen allele CA9928503.
Genomic context (GRCh38, chr20:59,023,848, plus strand): 5'-AGGCACGAGAGTGAGAGCTGTGACTGCCTGCAGGGCTTCCAGATCGTCCACTCCCTGGGC[G>A]GGGGCACAGGCTCCGGGATGGGCACTCTGCTCATGAACAAGATTAGAGAGGAGTACCCGG-3'
Protein context (NP_110400.1, residues 131-151): QGFQIVHSLG[Gly141Arg]GTGSGMGTLL